The following is an entry in ClinVar:

ClinVar aggregate classification (germline): Likely pathogenic (1 of 4 stars; one submission).

Conditions:
Severe combined immunodeficiency due to CORO1A deficiency. Also called: IMMUNODEFICIENCY 8 WITH LYMPHOPROLIFERATION; Immunodeficiency 8. Identifiers: Orphanet 228003, MedGen C3809383, MONDO:0014168, OMIM 615401.

Submission:

Labcorp Genetics (formerly Invitae), Labcorp
Classification: Likely pathogenic for Severe combined immunodeficiency due to CORO1A deficiency. Last evaluated: 2021-10-22. Review status: criteria provided, single submitter. Criteria: Invitae Variant Classification Sherloc (09022015). Collection method: clinical testing. Allele origin: germline.
Comment: This sequence change affects a donor splice site in intron 9 of the CORO1A gene. It is expected to disrupt RNA splicing. Variants that disrupt the donor or acceptor splice site typically lead to a loss of protein function (PMID: 16199547), and loss-of-function variants in CORO1A are known to be pathogenic (PMID: 18836449, 25073507). This variant is not present in population databases (ExAC no frequency). This variant has not been reported in the literature in individuals affected with CORO1A-related conditions. Algorithms developed to predict the effect of sequence changes on RNA splicing suggest that this variant may disrupt the consensus splice site. In summary, the currently available evidence indicates that the variant is pathogenic, but additional data are needed to prove that conclusively. Therefore, this variant has been classified as Likely Pathogenic.

Literature cited by the submitters: PubMed 16199547; PubMed 18836449; PubMed 25073507.

NM_007074.4(CORO1A):c.1065+2T>C

Gene: CORO1A (coronin 1A; plus strand). Cytogenetic location: 16p11.2.
Variant type: single nucleotide variant.
Coding change: c.1065+2T>C on transcript NM_007074.4 (MANE Select); the canonical splice donor site of the intron after coding-DNA position 1065, T replaced by C.
Molecular consequence: splice donor variant.
Genome position (GRCh38, 1-based): chr16:30,188,251, T>C. VCF-style: chr16-30188251-T-C. GRCh37 (hg19) VCF-style: chr16-30199572-T-C.
Other names: c.1065+2T>C (NM_001193333.3).
Identifiers: ClinVar variation 1480695 (VCV001480695.6), dbSNP rs112728974, ClinGen allele CA280450664.
Genomic context (GRCh38, chr16:30,188,251, plus strand): 5'-GGTTCTACAAGCTGCACGAGCGGAGGTGTGAGCCCATTGCCATGACAGTGCCTCGAAAGG[T>C]GATGCTCCCCCGCCCCACCCTGGGCTCCAGGCTGGGCACTGACTTTGCGGTCTTGTGGGG-3'